The following is an entry in ClinVar:

NM_173598.6(KSR2):c.2577C>T (p.Ala859=)

Gene: KSR2 (kinase suppressor of ras 2; minus strand). Cytogenetic location: 12q24.22.
Variant type: single nucleotide variant.
Coding change: c.2577C>T on transcript NM_173598.6 (MANE Select); coding-DNA position 2577, C replaced by T.
Protein change: p.Ala859=; no amino-acid change (alanine 859 retained).
Molecular consequence: synonymous variant.
Genome position (GRCh38, 1-based): chr12:117,476,469, G>A on the plus strand (C>T on the coding strand, the complement: KSR2 is on the minus strand). VCF-style: chr12-117476469-G-A. GRCh37 (hg19) VCF-style: chr12-117914274-G-A.
Identifiers: ClinVar variation 3029894 (VCV003029894.2), dbSNP rs372058080, ClinGen allele CA6815686.

ClinVar aggregate classification (germline): Likely benign (0 of 4 stars; one submission).

Conditions:
KSR2-related disorder. Also called: KSR2-related condition.

Allele frequency attached by ClinVar (database versions not stated): ExAC 0.00002; gnomAD 0.00002; TOPMed 0.00002; gnomAD exomes 0.00004; ESP Exome Variant Server 0.00008.
gnomAD v4.1: 66 of 1,598,586 alleles (0.0041%); highest among the groups gnomAD compares: Non-Finnish European, 0.0054%; no homozygotes.

Submission:

PreventionGenetics, part of Exact Sciences
Classification: Likely benign for KSR2-related condition. Last evaluated: 2021-12-16. Review status: no assertion criteria provided. Collection method: clinical testing. Allele origin: germline.
Comment: This variant is classified as likely benign based on ACMG/AMP sequence variant interpretation guidelines (Richards et al. 2015 PMID: 25741868, with internal and published modifications).